The following is an entry in ClinVar:

NM_001375834.1(WIPF1):c.1196C>T (p.Pro399Leu)

Gene: WIPF1 (WAS/WASL interacting protein family member 1; minus strand). Cytogenetic location: 2q31.1.
Variant type: single nucleotide variant.
Coding change: c.1196C>T on transcript NM_001375834.1 (MANE Select); coding-DNA position 1196, C replaced by T.
Protein change: p.Pro399Leu; replaces proline 399 with leucine.
Molecular consequence: missense variant.
Genome position (GRCh38, 1-based): chr2:174,568,007, G>A on the plus strand (C>T on the coding strand, the complement: WIPF1 is on the minus strand). VCF-style: chr2-174568007-G-A. GRCh37 (hg19) VCF-style: chr2-175432735-G-A.
Other names: c.1196C>T, p.Pro399Leu (NM_001077269.1, NM_001375832.1, NM_001375833.1 and 2 more transcripts); c.818C>T, p.Pro273Leu (NM_001375839.1); short protein forms P273L, P399L.
Identifiers: ClinVar variation 3614044 (VCV003614044.2).

ClinVar aggregate classification (germline): Uncertain significance (1 of 4 stars; one submission).

Conditions:
Wiskott-Aldrich syndrome 2 (WAS2). Also called: WIPF1 DEFICIENCY. Identifiers: Orphanet 906, MedGen C3281001, MONDO:0013779, OMIM 614493.

Submission:

Labcorp Genetics (formerly Invitae), Labcorp
Classification: Uncertain significance for Wiskott-Aldrich syndrome 2. Last evaluated: 2024-11-18. Review status: criteria provided, single submitter. Criteria: Invitae Variant Classification Sherloc (09022015). Collection method: clinical testing. Allele origin: germline.
Comment: This sequence change replaces proline, which is neutral and non-polar, with leucine, which is neutral and non-polar, at codon 399 of the WIPF1 protein (p.Pro399Leu). This variant is not present in population databases (gnomAD no frequency). This variant has not been reported in the literature in individuals affected with WIPF1-related conditions. An algorithm developed to predict the effect of missense changes on protein structure and function (PolyPhen-2) suggests that this variant is likely to be disruptive. In summary, the available evidence is currently insufficient to determine the role of this variant in disease. Therefore, it has been classified as a Variant of Uncertain Significance.